The following is an entry in ClinVar:

NM_016148.5(SHANK1):c.4339C>G (p.Arg1447Gly)

Gene: SHANK1 (SH3 and multiple ankyrin repeat domains 1; minus strand). Cytogenetic location: 19q13.33.
Variant type: single nucleotide variant.
Coding change: c.4339C>G on transcript NM_016148.5 (MANE Select); coding-DNA position 4339, C replaced by G.
Protein change: p.Arg1447Gly; replaces arginine 1447 with glycine.
Molecular consequence: missense variant.
Genome position (GRCh38, 1-based): chr19:50,667,621, G>C on the plus strand (C>G on the coding strand, the complement: SHANK1 is on the minus strand). VCF-style: chr19-50667621-G-C. GRCh37 (hg19) VCF-style: chr19-51170878-G-C.
Other names: short protein forms R1447G.
Identifiers: ClinVar variation 4082842 (VCV004082842.1).
Genomic context (GRCh38, chr19:50,667,621, plus strand): 5'-GGGGCTCCGTCCCCAGCTGCAGCAGGAGGGGCCCCACCCCGGGAGCGGTGGGCGGCAGGC[G>C]GTGTAGCAGGGAACGCCGGGCGGCGGGCGGGCTGGCGGGAAGGGACTTCTCCTGGCTGCC-3'
Protein context (NP_057232.2, residues 1437-1457): PPAARRSLLH[Arg1447Gly]LPPTAPGVGP

ClinVar aggregate classification (germline): Uncertain significance (1 of 4 stars; one submission).

Submission:

GeneDx
Classification: Uncertain significance. Last evaluated: 2025-03-12. Review status: criteria provided, single submitter. Criteria: GeneDx Variant Classification Process June 2021. Collection method: clinical testing. Allele origin: germline. Affected: yes.
Comment: Not observed at significant frequency in large population cohorts (gnomAD); In silico analysis indicates that this missense variant does not alter protein structure/function; Has not been previously published as pathogenic or benign to our knowledge